The following is an entry in ClinVar:

ClinVar aggregate classification (germline): Uncertain significance (1 of 4 stars; one submission).

Conditions:
Autosomal recessive spinocerebellar ataxia 12. Also called: SPINOCEREBELLAR ATAXIA WITH MENTAL RETARDATION AND EPILEPSY. Identifiers: Orphanet 284282, MedGen C3280452, MONDO:0013687, OMIM 614322.
Developmental and epileptic encephalopathy, 28 (DEE28). Also called: Epileptic encephalopathy, early infantile, 28. Identifiers: Orphanet 442835, MedGen C4015519, MONDO:0014533, OMIM 616211.
Malignant tumor of esophagus. Also called: Esophageal cancer; Esophageal cancer, somatic. Identifiers: Orphanet 99977, MedGen C0546837, MONDO:0007576, OMIM 133239.

Allele frequency attached by ClinVar (database versions not stated): gnomAD 0.00002 and 0.00003; TOPMed 0.00002; gnomAD exomes 0.00004; ExAC 0.00006; 1000 Genomes Project 30x 0.00016; 1000 Genomes Project 0.00020.
gnomAD v4.1: 33 of 1,610,720 alleles (0.002%); highest among the groups gnomAD compares: South Asian, 0.031%; no homozygotes.

Submission:

Center for Genomics, Ann and Robert H. Lurie Children's Hospital of Chicago
Classification: Uncertain significance for Malignant tumor of esophagus; Developmental and epileptic encephalopathy, 28; Autosomal recessive spinocerebellar ataxia 12. Review status: criteria provided, single submitter. Criteria: ACMG Guidelines, 2015. Collection method: clinical testing. Allele origin: germline.
Comment: WWOX NM_130791 exon 6 p.His177His (c.531C>T): This variant has not been reported in the literature but is present in 10/30378 South Asian alleles in the Genome Aggregation Database. Evolutionary conservation and computational predictive tools for this variant are limited or unavailable. Of note, this variant is a silent variant and does not change the amino acid, reducing the probability that this variant is disease causing. In summary, data on this variant is insufficient for disease classification. Therefore, the clinical significance of this variant is uncertain.

NM_016373.4(WWOX):c.517-108243C>T

Gene: WWOX (WW domain containing oxidoreductase; plus strand). Cytogenetic location: 16q23.1.
Variant type: single nucleotide variant.
Coding change: c.517-108243C>T on transcript NM_016373.4 (MANE Select); 108243 bases into the intron before coding-DNA position 517, C replaced by T.
Molecular consequence: intron variant. On other transcripts: synonymous variant (1), non-coding transcript variant (1).
Genome position (GRCh38, 1-based): chr16:78,278,617, C>T. VCF-style: chr16-78278617-C-T. GRCh37 (hg19) VCF-style: chr16-78312514-C-T.
Other names: c.531C>T, p.His177= (NM_130791.5); c.178-108243C>T (NM_001291997.2).
Identifiers: ClinVar variation 626053 (VCV000626053.3), dbSNP rs551189075, ClinGen allele CA8183275.